The following is an entry in ClinVar:

ClinVar aggregate classification (germline): Likely pathogenic (1 of 4 stars; one submission).

Conditions:
Hajdu-Cheney syndrome (HJCYS). Also called: Acroosteolysis dominant type; SERPENTINE FIBULA-POLYCYSTIC KIDNEY SYNDROME; ACROOSTEOLYSIS WITH OSTEOPOROSIS AND CHANGES IN SKULL AND MANDIBLE. Identifiers: Orphanet 955, MedGen C0917715, MONDO:0007057, OMIM 102500.

Submission:

Labcorp Genetics (formerly Invitae), Labcorp
Classification: Likely pathogenic for Hajdu-Cheney syndrome. Last evaluated: 2023-02-27. Review status: criteria provided, single submitter. Criteria: Invitae Variant Classification Sherloc (09022015). Collection method: clinical testing. Allele origin: germline.
Comment: This variant is not present in population databases (gnomAD no frequency). This sequence change creates a premature translational stop signal (p.Leu2092Serfs*3) in the NOTCH2 gene. While this is not anticipated to result in nonsense mediated decay, it is expected to disrupt the last 380 amino acid(s) of the NOTCH2 protein. This variant has not been reported in the literature in individuals affected with NOTCH2-related conditions. In summary, the currently available evidence indicates that the variant is pathogenic, but additional data are needed to prove that conclusively. Therefore, this variant has been classified as Likely Pathogenic. This protein change is located in a region of the NOTCH2 protein where a significant number of previously reported NOTCH2 nonsense and frameshift mutations are found (PMID: 21378985, 23389697, 26627824). ClinVar contains an entry for this variant (Variation ID: 1993068).

Literature cited by the submitters: PubMed 21378985; PubMed 23389697; PubMed 26627824.

NM_024408.4(NOTCH2):c.6274del (p.Leu2092fs)

Gene: NOTCH2 (notch receptor 2; minus strand). Cytogenetic location: 1p12.
Variant type: Deletion.
Coding change: c.6274del on transcript NM_024408.4 (MANE Select); coding-DNA position 6274, one base deleted (C; older notation c.6274delC).
Protein change: p.Leu2092fs; shifts the reading frame from leucine 2092.
Molecular consequence: frameshift variant.
Genome position (GRCh38, 1-based): chr1:119,916,448, G deleted on the plus strand (C on the coding strand, the reverse complement: NOTCH2 is on the minus strand); the first of 2 consecutive G bases (chr1:119,916,448-119,916,449); deleting either gives the same sequence. VCF-style (leftmost placement, unchanged base first): chr1-119916447-AG-A. GRCh37 (hg19) VCF-style: chr1-120459070-AG-A.
Other names: short protein forms L2092fs.
Identifiers: ClinVar variation 1993068 (VCV001993068.4), dbSNP rs2526107938, ClinGen allele CA2580060932.
Genomic context (GRCh38, chr1:119,916,447, plus strand): 5'-ATGGTACTCTTGGCACTGGGCCGTCTAGACTTCTTGCCCATTGGGGTGTGCTTCAGGCTG[AG>A]GAAAGATCTGTTGGGCCCACAGATGACAGGTGAGAGAGCAGAAGTCAACACGGTGCCTGG-3'